The following is an entry in ClinVar:

NM_013450.4(BAZ2B):c.2293C>T (p.Arg765Cys)

Gene: BAZ2B (bromodomain adjacent to zinc finger domain 2B; minus strand). Cytogenetic location: 2q24.2.
Variant type: single nucleotide variant.
Coding change: c.2293C>T on transcript NM_013450.4 (MANE Select); coding-DNA position 2293, C replaced by T.
Protein change: p.Arg765Cys; replaces arginine 765 with cysteine.
Molecular consequence: missense variant.
Genome position (GRCh38, 1-based): chr2:159,428,382, G>A on the plus strand (C>T on the coding strand, the complement: BAZ2B is on the minus strand). VCF-style: chr2-159428382-G-A. GRCh37 (hg19) VCF-style: chr2-160284893-G-A.
Other names: c.2287C>T, p.Arg763Cys (NM_001289975.1); c.2104C>T, p.Arg702Cys (NM_001329857.2); c.2293C>T, p.Arg765Cys (NM_001329858.2); short protein forms R702C, R763C, R765C.
Identifiers: ClinVar variation 4681501 (VCV004681501.5).

ClinVar aggregate classification (germline): Uncertain significance (1 of 4 stars; one submission).

gnomAD v4.1: 10 of 1,612,950 alleles (0.00062%); highest among the groups gnomAD compares: South Asian, 0.0066%; no homozygotes.

Submission:

CeGaT Center for Human Genetics Tuebingen
Classification: Uncertain significance. Last evaluated: 2025-12-01. Review status: criteria provided, single submitter. Criteria: CeGaT Center For Human Genetics Tuebingen Variant Classification Criteria Version 2. Collection method: clinical testing. Allele origin: germline. Affected: yes. Observed: 1 variant allele.
Comment: BAZ2B: PM2:Supporting, PP3